The following is an entry in ClinVar:

NM_004393.6(DAG1):c.587A>T (p.Asp196Val)

Gene: DAG1 (dystroglycan 1; plus strand). Cytogenetic location: 3p21.31.
Variant type: single nucleotide variant.
Coding change: c.587A>T on transcript NM_004393.6 (MANE Select); coding-DNA position 587, A replaced by T.
Protein change: p.Asp196Val; replaces aspartic acid 196 with valine.
Molecular consequence: missense variant.
Genome position (GRCh38, 1-based): chr3:49,531,098, A>T. VCF-style: chr3-49531098-A-T. GRCh37 (hg19) VCF-style: chr3-49568531-A-T.
Other names: c.587A>T, p.Asp196Val (NM_001165928.4, NM_001177634.3, NM_001177635.3 and 9 more transcripts); short protein forms D196V.
Identifiers: ClinVar variation 1463859 (VCV001463859.6), dbSNP rs2107926325, ClinGen allele CA352793634.
Genomic context (GRCh38, chr3:49,531,098, plus strand): 5'-AGGTGGTATCATCTGCCTGTGCTGCGGATGAACCTGTGACTGTTTTGACGGTGATTTTGG[A>T]TGCCGACCTCACCAAGATGACCCCAAAGCAAAGGATTGACCTCCTGCACAGGATGCGGAG-3'
Protein context (NP_004384.5, residues 186-206): EPVTVLTVIL[Asp196Val]ADLTKMTPKQ

ClinVar aggregate classification (germline): Uncertain significance (1 of 4 stars; one submission).

Conditions:
Muscular dystrophy-dystroglycanopathy (congenital with brain and eye anomalies), type A9. Also called: WALKER-WARBURG SYNDROME OR MUSCLE-EYE BRAIN DISEASE, DAG1-RELATED; Muscular dystrophy-dystroglycanopathy (congenital with brain and eye anomalies), type a, 9. Identifiers: Orphanet 370997, Orphanet 899, MedGen C4225291, MONDO:0014683, OMIM 616538.
Autosomal recessive limb-girdle muscular dystrophy type 2P. Also called: Limb-Girdle Muscular Dystrophy Type 9C; MUSCULAR DYSTROPHY-DYSTROGLYCANOPATHY, LIMB-GIRDLE, DAG1-RELATED; MUSCULAR DYSTROPHY, LIMB-GIRDLE, TYPE 2P. Identifiers: Orphanet 280333, MedGen C4511963, MONDO:0013440, OMIM 613818.

Submission:

Labcorp Genetics (formerly Invitae), Labcorp
Classification: Uncertain significance for Autosomal recessive limb-girdle muscular dystrophy type 2P; Muscular dystrophy-dystroglycanopathy (congenital with brain and eye anomalies), type A9. Last evaluated: 2021-10-02. Review status: criteria provided, single submitter. Criteria: Invitae Variant Classification Sherloc (09022015). Collection method: clinical testing. Allele origin: germline.
Comment: This sequence change replaces aspartic acid with valine at codon 196 of the DAG1 protein (p.Asp196Val). The aspartic acid residue is moderately conserved and there is a large physicochemical difference between aspartic acid and valine. This variant is not present in population databases (ExAC no frequency). This variant has not been reported in the literature in individuals affected with DAG1-related conditions. Algorithms developed to predict the effect of missense changes on protein structure and function are either unavailable or do not agree on the potential impact of this missense change (SIFT: "Deleterious"; PolyPhen-2: "Probably Damaging"; Align-GVGD: "Class C0"). In summary, the available evidence is currently insufficient to determine the role of this variant in disease. Therefore, it has been classified as a Variant of Uncertain Significance.